The following is an entry in ClinVar:

ClinVar aggregate classification (germline): Likely benign. Review status: criteria provided, multiple submitters, no conflicts (2 of 4 stars). 2 submissions from 2 submitters: Likely benign (2). Last evaluated 2026-06-01.

Allele frequency attached by ClinVar (database versions not stated): gnomAD exomes 0.00001; TOPMed 0.00001.
gnomAD v4.1: 16 of 1,609,830 alleles (0.00099%); highest among the groups gnomAD compares: Middle Eastern, 0.099%; no homozygotes.

Submissions (2):

CeGaT Center for Human Genetics Tuebingen
Classification: Likely benign. Last evaluated: 2026-06-01. Review status: criteria provided, single submitter. Criteria: CeGaT Center For Human Genetics Tuebingen Variant Classification Criteria Version 2. Collection method: clinical testing. Allele origin: germline. Affected: yes. Observed: 1 variant allele.
Comment: RORB: BP4, BP7

Labcorp Genetics (formerly Invitae), Labcorp
Classification: Likely benign. Last evaluated: 2025-12-29. Review status: criteria provided, single submitter. Criteria: Invitae Variant Classification Sherloc (09022015). Collection method: clinical testing. Allele origin: germline.

NM_006914.4(RORB):c.924C>T (p.Cys308=)

Gene: RORB (RAR related orphan receptor B; plus strand). Cytogenetic location: 9q21.13.
Variant type: single nucleotide variant.
Coding change: c.924C>T on transcript NM_006914.4 (MANE Select); coding-DNA position 924, C replaced by T.
Protein change: p.Cys308=; no amino-acid change (cysteine 308 retained).
Molecular consequence: synonymous variant.
Genome position (GRCh38, 1-based): chr9:74,665,519, C>T. VCF-style: chr9-74665519-C-T. GRCh37 (hg19) VCF-style: chr9-77280435-C-T.
Other names: c.957C>T, p.Cys319= (NM_001365023.1).
Identifiers: ClinVar variation 1565966 (VCV001565966.10), dbSNP rs1466061456, ClinGen allele CA465551324.